The following is an entry in ClinVar:

NM_000199.5(SGSH):c.1108G>A (p.Val370Ile)

Gene: SGSH (N-sulfoglucosamine sulfohydrolase; minus strand). Cytogenetic location: 17q25.3.
Variant type: single nucleotide variant.
Coding change: c.1108G>A on transcript NM_000199.5 (MANE Select); coding-DNA position 1108, G replaced by A.
Protein change: p.Val370Ile; replaces valine 370 with isoleucine.
Molecular consequence: missense variant. On other transcripts: 3 prime UTR variant (2), non-coding transcript variant (1).
Genome position (GRCh38, 1-based): chr17:80,210,853, C>T on the plus strand (G>A on the coding strand, the complement: SGSH is on the minus strand). VCF-style: chr17-80210853-C-T. GRCh37 (hg19) VCF-style: chr17-78184652-C-T.
Other names: c.*195G>A (NM_001352921.3); c.*158G>A (NM_001352922.2); short protein forms V370I.
Identifiers: ClinVar variation 1442213 (VCV001442213.3), dbSNP rs201061563, ClinGen allele CA294890961.

ClinVar aggregate classification (germline): Uncertain significance (1 of 4 stars; one submission).

Conditions:
Mucopolysaccharidosis, MPS-III-A (MPS3A). Also called: HEPARAN SULFATE SULFATASE DEFICIENCY; SANFILIPPO SYNDROME A; SULFAMIDASE DEFICIENCY; MPS III A; MPS IIIA (Sanfilippo Syndrome Type A); Mucopolysaccharidosis type IIIA (Sanfilippo A). Identifiers: Orphanet 581, Orphanet 79269, MedGen C0086647, MONDO:0009655, OMIM 252900.

Allele frequency attached by ClinVar (database versions not stated): gnomAD 0.00001; TOPMed 0.00002.
gnomAD v4.1: 13 of 1,613,610 alleles (0.00081%); highest among the groups gnomAD compares: Admixed American, 0.005%; no homozygotes.

Submission:

Labcorp Genetics (formerly Invitae), Labcorp
Classification: Uncertain significance for Mucopolysaccharidosis, MPS-III-A. Last evaluated: 2022-09-13. Review status: criteria provided, single submitter. Criteria: Invitae Variant Classification Sherloc (09022015). Collection method: clinical testing. Allele origin: germline.
Comment: This sequence change replaces valine, which is neutral and non-polar, with isoleucine, which is neutral and non-polar, at codon 370 of the SGSH protein (p.Val370Ile). This variant is present in population databases (rs201061563, gnomAD 0.006%). This variant has not been reported in the literature in individuals affected with SGSH-related conditions. ClinVar contains an entry for this variant (Variation ID: 1442213). Advanced modeling of protein sequence and biophysical properties (such as structural, functional, and spatial information, amino acid conservation, physicochemical variation, residue mobility, and thermodynamic stability) has been performed at Invitae for this missense variant, however the output from this modeling did not meet the statistical confidence thresholds required to predict the impact of this variant on SGSH protein function. In summary, the available evidence is currently insufficient to determine the role of this variant in disease. Therefore, it has been classified as a Variant of Uncertain Significance.